The following is an entry in ClinVar:

ClinVar aggregate classification (germline): Uncertain significance (1 of 4 stars; one submission).

Conditions:
Cardiovascular phenotype. Identifiers: MedGen CN230736.
Hereditary cancer-predisposing syndrome. Also called: Tumor predisposition; Neoplastic Syndromes, Hereditary; Hereditary Cancer Syndrome; Hereditary neoplastic syndrome. Identifiers: Orphanet 140162, MedGen C0027672, MeSH D009386, MONDO:0015356.

Submission:

Ambry Genetics
Classification: Uncertain significance for Cardiovascular phenotype; Hereditary cancer-predisposing syndrome. Last evaluated: 2025-01-14. Review status: criteria provided, single submitter. Criteria: Ambry Variant Classification Scheme 2023. Collection method: clinical testing. Allele origin: germline.
Comment: The p.Q2801E variant (also known as c.8401C>G), located in coding exon 57 of the NF1 gene, results from a C to G substitution at nucleotide position 8401. The glutamine at codon 2801 is replaced by glutamic acid, an amino acid with highly similar properties. This amino acid position is highly conserved in available vertebrate species. In addition, this alteration is predicted to be tolerated by in silico analysis. Based on the available evidence, the clinical significance of this variant remains unclear.

NM_001042492.3(NF1):c.8464C>G (p.Gln2822Glu)

Gene: NF1 (neurofibromin 1; plus strand). Cytogenetic location: 17q11.2.
Variant type: single nucleotide variant.
Coding change: c.8464C>G on transcript NM_001042492.3 (MANE Select); coding-DNA position 8464, C replaced by G.
Protein change: p.Gln2822Glu; replaces glutamine 2822 with glutamic acid.
Molecular consequence: missense variant.
Genome position (GRCh38, 1-based): chr17:31,374,099, C>G. VCF-style: chr17-31374099-C-G. GRCh37 (hg19) VCF-style: chr17-29701117-C-G.
Other names: c.8401C>G, p.Gln2801Glu (NM_000267.4); short protein forms Q2801E, Q2822E.
Identifiers: ClinVar variation 3879056 (VCV003879056.1).
Genomic context (GRCh38, chr17:31,374,099, plus strand): 5'-TCCCCTACCACTGGCCACTGTAACAGTGGACGAACTCGCCACGGATCCGCAAGCCAAGTG[C>G]AGAAGCAAAGAAGCGCTGGCAGTTTCAAACGTAATAGCATTAAGAAGATCGTGTGAAGCT-3'
Protein context (NP_001035957.1, residues 2812-2832): RTRHGSASQV[Gln2822Glu]KQRSAGSFKR